The following is an entry in ClinVar:

NM_016343.4(CENPF):c.5126T>C (p.Ile1709Thr)

Gene: CENPF (centromere protein F; plus strand). Cytogenetic location: 1q41.
Variant type: single nucleotide variant.
Coding change: c.5126T>C on transcript NM_016343.4 (MANE Select); coding-DNA position 5126, T replaced by C.
Protein change: p.Ile1709Thr; replaces isoleucine 1709 with threonine.
Molecular consequence: missense variant.
Genome position (GRCh38, 1-based): chr1:214,644,696, T>C. VCF-style: chr1-214644696-T-C. GRCh37 (hg19) VCF-style: chr1-214818039-T-C.
Other names: short protein forms I1709T.
Identifiers: ClinVar variation 1309436 (VCV001309436.2), dbSNP rs2102564366, ClinGen allele CA344838290.
Genomic context (GRCh38, chr1:214,644,696, plus strand): 5'-ATGTTCATCAGATTTGTGATAAAGATGCTCAGCAGGACCTCAATCTAGACATTGAGAAAA[T>C]AACTGAGACTGGTGCAGTGAAACCCACAGGAGAGTGCTCTGGGGAACAGTCCCCAGATAC-3'
Protein context (NP_057427.3, residues 1699-1719): QQDLNLDIEK[Ile1709Thr]TETGAVKPTG

ClinVar aggregate classification (germline): Uncertain significance (1 of 4 stars; one submission).

Submission:

GeneDx
Classification: Uncertain significance. Last evaluated: 2020-01-24. Review status: criteria provided, single submitter. Criteria: GeneDx Variant Classification Process June 2021. Collection method: clinical testing. Allele origin: germline. Affected: yes.
Comment: Not observed in large population cohorts (Lek et al., 2016); In silico analysis, which includes protein predictors and evolutionary conservation, supports that this variant does not alter protein structure/function; Has not been previously published as pathogenic or benign to our knowledge